The following is an entry in ClinVar:

ClinVar aggregate classification (germline): Uncertain significance. Review status: criteria provided, multiple submitters, no conflicts (2 of 4 stars). 3 submissions from 3 submitters: Uncertain significance (3). Last evaluated 2025-11-24.

Conditions:
Cardiovascular phenotype. Identifiers: MedGen CN230736.
Dilated cardiomyopathy 1G (CMD1G). Identifiers: Orphanet 154, MedGen C1858763, MONDO:0011400, OMIM 604145.
Autosomal recessive limb-girdle muscular dystrophy type 2J (LGMDR10). Also called: Limb-girdle muscular dystrophy, type 2J; MUSCULAR DYSTROPHY, LIMB-GIRDLE, AUTOSOMAL RECESSIVE 10. Identifiers: Orphanet 140922, MedGen C1837342, MONDO:0012127, OMIM 608807.

gnomAD v4.1: 2 of 1,613,520 alleles (0.00012%); highest among the groups gnomAD compares: Non-Finnish European, 0.00017%; no homozygotes.

Submissions (3):

Labcorp Genetics (formerly Invitae), Labcorp
Classification: Uncertain significance for Dilated cardiomyopathy 1G; Autosomal recessive limb-girdle muscular dystrophy type 2J. Last evaluated: 2025-11-24. Review status: criteria provided, single submitter. Criteria: Invitae Variant Classification Sherloc (09022015). Collection method: clinical testing. Allele origin: germline.
Comment: This sequence change replaces arginine, which is basic and polar, with leucine, which is neutral and non-polar, at codon 34805 of the TTN protein (p.Arg34805Leu). This variant is not present in population databases (gnomAD no frequency). This missense change has been observed in individual(s) with TTN-related conditions (PMID: 32746448, 33500567). This variant is also known as c.96710G>T, p.Arg32237Leu. ClinVar contains an entry for this variant (Variation ID: 47672). Experimental studies and prediction algorithms are not available or were not evaluated, and the functional significance of this variant is currently unknown. This variant is located in the M band of TTN (PMID: 25589632). Non-truncating variants in this region may be relevant for neuromuscular disorders, but have not been definitively shown to cause cardiomyopathy (PMID: 23975875). In summary, the available evidence is currently insufficient to determine the role of this variant in disease. Therefore, it has been classified as a Variant of Uncertain Significance.

Ambry Genetics
Classification: Uncertain significance for Cardiovascular phenotype. Last evaluated: 2019-02-14. Review status: criteria provided, single submitter. Criteria: Ambry Variant Classification Scheme 2023. Collection method: clinical testing. Allele origin: germline.
Comment: The p.R25740L variant (also known as c.77219G>T), located in coding exon 185 of the TTN gene, results from a G to T substitution at nucleotide position 77219. The arginine at codon 25740 is replaced by leucine, an amino acid with dissimilar properties. This amino acid position is not well conserved in available vertebrate species. In addition, this alteration is predicted to be tolerated by in silico analysis. Since supporting evidence is limited at this time, the clinical significance of this alteration remains unclear.

Laboratory for Molecular Medicine, Mass General Brigham Personalized Medicine
Classification: Uncertain significance. Last evaluated: 2012-02-10. Review status: criteria provided, single submitter. Criteria: LMM Criteria. Collection method: clinical testing. Allele origin: germline. Observed: 1 variant allele.
Comment: The Arg32237Leu variant in TTN has not been reported in the literature nor previ ously identified by our laboratory. Arginine (Arg) at position 32237 is not comp letely conserved across different species, increasing the likelihood that a chan ge would be tolerated. Computational analyses (biochemical amino acid properties , SIFT, AlignGVGD) do not provide strong support for or against pathogenicity. I n summary, the clinical significance of this variant cannot be determined with c ertainty at this time.

Literature cited by the submitters: PubMed 32746448 (cited by Labcorp Genetics (formerly Invitae), Labcorp); PubMed 33500567 (cited by Labcorp Genetics (formerly Invitae), Labcorp); PubMed 25589632 (cited by Labcorp Genetics (formerly Invitae), Labcorp); PubMed 23975875 (cited by Labcorp Genetics (formerly Invitae), Labcorp).

NM_001267550.2(TTN):c.104414G>T (p.Arg34805Leu)

Genes: TTN (titin; minus strand), TTN-AS1 (TTN antisense RNA 1; plus strand). Cytogenetic location: 2q31.2.
Variant type: single nucleotide variant.
Coding change: c.104414G>T on transcript NM_001267550.2 (MANE Select); coding-DNA position 104414, G replaced by T.
Protein change: p.Arg34805Leu; replaces arginine 34805 with leucine.
Molecular consequence: missense variant.
Genome position (GRCh38, 1-based): chr2:178,532,201, C>A on the plus strand (G>T on the coding strand, the complement: TTN is on the minus strand). VCF-style: chr2-178532201-C-A. GRCh37 (hg19) VCF-style: chr2-179396928-C-A.
Other names: c.96710G>T, p.Arg32237Leu (NM_133378.4); c.99491G>T, p.Arg33164Leu (NM_001256850.1); c.77219G>T, p.Arg25740Leu (NM_003319.4); c.77594G>T, p.Arg25865Leu (NM_133432.3); c.77795G>T, p.Arg25932Leu (NM_133437.4); short protein forms R34805L, R32237L, R25865L, R25740L, R33164L, R25932L.
Identifiers: ClinVar variation 47672 (VCV000047672.8), dbSNP rs115150240, ClinGen allele CA141674.